The following is an entry in ClinVar:

NM_000371.4(TTR):c.337-527_349del

Gene: TTR (transthyretin; plus strand). Cytogenetic location: 18q12.1.
Variant type: Deletion.
Coding change: c.337-527_349del on transcript NM_000371.4 (MANE Select); 527 bases into the intron before coding-DNA position 337 through coding-DNA position 349, 540 bases deleted.
Molecular consequence: splice acceptor variant.
Genome position (GRCh38, 1-based): chr18:31,598,041-31,598,580, 540 bases deleted. GRCh37 (hg19): chr18:29,178,004-29,178,543.
Identifiers: ClinVar variation 842048 (VCV000842048.8), dbSNP rs2073525314, ClinGen allele CA916081932.

ClinVar aggregate classification (germline): Uncertain significance (1 of 4 stars; one submission).

Conditions:
Amyloidosis, hereditary systemic 1 (AMYLD1). Also called: Familial amyloid polyneuropathy; Transthyretin Amyloidosis; AMYLOID CARDIOMYOPATHY; Isolated Cardiac Amyloidosis; Amyloid Cardiomyopathy, Transthyretin-related; Hereditary oculoleptomeningeal amyloid angiopathy. Identifiers: Orphanet 85447, Orphanet 85451, MedGen C2751492, MONDO:0971004, OMIM 105210.

Submission:

Labcorp Genetics (formerly Invitae), Labcorp
Classification: Uncertain significance for Amyloidosis, hereditary systemic 1. Last evaluated: 2024-11-11. Review status: criteria provided, single submitter. Criteria: Invitae Variant Classification Sherloc (09022015). Collection method: clinical testing. Allele origin: germline.
Comment: This variant results in the deletion of part of exon 4 (c.337-527_349del) of the TTR gene. It affects a nucleotide within the consensus splice site. This variant has not been reported in the literature in individuals affected with TTR-related conditions. Variants that disrupt the consensus splice site are a relatively common cause of aberrant splicing (PMID: 17576681, 9536098). In summary, the available evidence is currently insufficient to determine the role of this variant in disease. Therefore, it has been classified as a Variant of Uncertain Significance.

Literature cited by the submitters: PubMed 17576681; PubMed 9536098.